The following is an entry in ClinVar:

NC_000019.9:g.(?_42471089)_(42486278_?)del

Gene: ATP1A3 (ATPase Na+/K+ transporting subunit alpha 3; minus strand). Cytogenetic location: 19q13.2.
Variant type: Deletion.
Identifiers: ClinVar variation 2427356 (VCV002427356.4).

ClinVar aggregate classification (germline): Pathogenic (1 of 4 stars; one submission).

Conditions:
Dystonia 12 (DYT12). Also called: DYT-ATP1A3; Rapid-Onset Dystonia-Parkinsonism (RDP). Identifiers: Orphanet 71517, MedGen C1868681, MONDO:0007496, OMIM 128235.

Submission:

Labcorp Genetics (formerly Invitae), Labcorp
Classification: Pathogenic for Dystonia 12. Last evaluated: 2022-11-17. Review status: criteria provided, single submitter. Criteria: Invitae Variant Classification Sherloc (09022015). Collection method: clinical testing. Allele origin: germline.
Comment: For these reasons, this variant has been classified as Pathogenic. This variant disrupts a region of the ATP1A3 protein in which other variant(s) (p.Gly947Glu) have been determined to be pathogenic (PMID: 30283815). This suggests that this is a clinically significant region of the protein, and that variants that disrupt it are likely to be disease-causing. This variant has not been reported in the literature in individuals affected with ATP1A3-related conditions. This variant is a gross deletion of the genomic region encompassing exon(s) 9-23 of the ATP1A3 gene, which includes the termination codon. This deletion extends beyond the assayed region for this gene and therefore may encompass additional genes. While this deletion is not anticipated to lead to nonsense mediated decay, it is expected to alter mRNA translation or result in a truncated protein product.

Literature cited by the submitters: PubMed 30283815.